The following is an entry in ClinVar:

ClinVar aggregate classification (germline): Uncertain significance (1 of 4 stars; one submission).

Conditions:
Diamond-Blackfan anemia 1 (DBA1). Also called: RPS19-Related Diamond-Blackfan Anemia; BLACKFAN-DIAMOND SYNDROME; ANEMIA, CONGENITAL HYPOPLASTIC, OF BLACKFAN AND DIAMOND; ANEMIA, CONGENITAL ERYTHROID HYPOPLASTIC; RED CELL APLASIA, PURE, HEREDITARY; AREGENERATIVE ANEMIA, CHRONIC CONGENITAL. Identifiers: Orphanet 124, MedGen C2676137, MONDO:0007110, OMIM 105650.

Submission:

Neuberg Centre For Genomic Medicine, NCGM
Classification: Uncertain significance for Diamond-Blackfan anemia 1. Last evaluated: 2023-05-20. Review status: criteria provided, single submitter. Criteria: ACMG Guidelines, 2015. Collection method: clinical testing. Allele origin: germline. Inheritance: Autosomal dominant inheritance. Affected: yes.
Comment: The observed missense c.311T>C(p.Leu104Pro) variant in RPS19 gene has not been reported previously as a pathogenic variant nor a benign variant, to our knowledge. The p.Leu104Pro variant is absent in gnomAD Exomes. This variant has not been submitted to the ClinVar database. Multiple lines of computational evidences (Polyphen - Probably damaging, SIFT - Damaging and MutationTaster - Disease causing) predict a damaging effect on protein structure and function for this variant. The reference amino acid is predicted as conserved by GERP++ and PhyloP across 100 vertebrates. The amino acid Leu at position 104 is changed to a Pro changing protein sequence and it might alter its composition and physico-chemical properties. For these reasons, this variant has been classified as a Variant of Uncertain Significance (VUS).

NM_001022.4(RPS19):c.311T>C (p.Leu104Pro)

Genes: RPS19 (ribosomal protein S19; plus strand), RPS19-CD79A (RPS19-CD79A readthrough; plus strand). Cytogenetic location: 19q13.2.
Variant type: single nucleotide variant.
Coding change: c.311T>C on transcript NM_001022.4 (MANE Select); coding-DNA position 311, T replaced by C.
Protein change: p.Leu104Pro; replaces leucine 104 with proline.
Molecular consequence: missense variant. On other transcripts: synonymous variant (1).
Genome position (GRCh38, 1-based): chr19:41,869,169, T>C. VCF-style: chr19-41869169-T-C. GRCh37 (hg19) VCF-style: chr19-42373239-T-C.
Other names: c.311T>C, p.Leu104Pro (NM_001321483.2, NM_001321484.2); c.324T>C, p.Pro108= (NM_001321485.2); short protein forms L104P.
Identifiers: ClinVar variation 3366993 (VCV003366993.1).